The following is an entry in ClinVar:

ClinVar aggregate classification (germline): Uncertain significance. Review status: criteria provided, multiple submitters, no conflicts (2 of 4 stars). 2 submissions from 2 submitters: Uncertain significance (2). Last evaluated 2025-06-25.

Conditions:
Cardiovascular phenotype. Identifiers: MedGen CN230736.
RASopathy. Also called: Noonan spectrum disorder; rasopathies. Identifiers: Orphanet 536391, MedGen C5555857, MONDO:0021060.

Submissions (2):

Ambry Genetics
Classification: Uncertain significance for Cardiovascular phenotype. Last evaluated: 2025-06-25. Review status: criteria provided, single submitter. Criteria: Ambry Variant Classification Scheme 2023. Collection method: clinical testing. Allele origin: germline.
Comment: The p.L549V variant (also known as c.1645C>G), located in coding exon 14 of the PTPN11 gene, results from a C to G substitution at nucleotide position 1645. The leucine at codon 549 is replaced by valine, an amino acid with highly similar properties. This amino acid position is conserved. In addition, this alteration is predicted to be tolerated by in silico analysis. Based on the available evidence, the clinical significance of this variant remains unclear.

Labcorp Genetics (formerly Invitae), Labcorp
Classification: Uncertain significance for RASopathy. Last evaluated: 2024-11-04. Review status: criteria provided, single submitter. Criteria: Invitae Variant Classification Sherloc (09022015). Collection method: clinical testing. Allele origin: germline.
Comment: This sequence change replaces leucine, which is neutral and non-polar, with valine, which is neutral and non-polar, at codon 549 of the PTPN11 protein (p.Leu549Val). This variant is not present in population databases (gnomAD no frequency). This variant has not been reported in the literature in individuals affected with PTPN11-related conditions. Invitae Evidence Modeling of protein sequence and biophysical properties (such as structural, functional, and spatial information, amino acid conservation, physicochemical variation, residue mobility, and thermodynamic stability) indicates that this missense variant is not expected to disrupt PTPN11 protein function with a negative predictive value of 80%. In summary, the available evidence is currently insufficient to determine the role of this variant in disease. Therefore, it has been classified as a Variant of Uncertain Significance.

NM_002834.5(PTPN11):c.1645C>G (p.Leu549Val)

Gene: PTPN11 (protein tyrosine phosphatase non-receptor type 11; plus strand). Cytogenetic location: 12q24.13.
Variant type: single nucleotide variant.
Coding change: c.1645C>G on transcript NM_002834.5 (MANE Select); coding-DNA position 1645, C replaced by G.
Protein change: p.Leu549Val; replaces leucine 549 with valine.
Molecular consequence: missense variant.
Genome position (GRCh38, 1-based): chr12:112,502,189, C>G. VCF-style: chr12-112502189-C-G. GRCh37 (hg19) VCF-style: chr12-112939993-C-G.
Other names: c.1657C>G, p.Leu553Val (NM_001330437.2); c.1642C>G, p.Leu548Val (NM_001374625.1); short protein forms L553V, L548V, L549V.
Identifiers: ClinVar variation 3637672 (VCV003637672.3).